The following is an entry in ClinVar:

NM_004304.5(ALK):c.80A>G (p.Gln27Arg)

Gene: ALK (ALK receptor tyrosine kinase; minus strand). Cytogenetic location: 2p23.1.
Variant type: single nucleotide variant.
Coding change: c.80A>G on transcript NM_004304.5 (MANE Select); coding-DNA position 80, A replaced by G.
Protein change: p.Gln27Arg; replaces glutamine 27 with arginine.
Molecular consequence: missense variant.
Genome position (GRCh38, 1-based): chr2:29,920,580, T>C on the plus strand (A>G on the coding strand, the complement: ALK is on the minus strand). VCF-style: chr2-29920580-T-C. GRCh37 (hg19) VCF-style: chr2-30143446-T-C.
Other names: short protein forms Q27R.
Identifiers: ClinVar variation 834471 (VCV000834471.10), dbSNP rs752501243, ClinGen allele CA1595051.
Genomic context (GRCh38, chr2:29,920,580, plus strand): 5'-GAGTAGCTGAGTGGCTCCCGGGGCTGCAGCGGCGGCCCCGCAGCTGGGGAGCCCGCGCGC[T>C]GGCCGGTCCCCATCCCGGAGCCCACAGCTGCCGTGGAAAGCAGCAGCGGCAGGAGCCACA-3'
Protein context (NP_004295.2, residues 17-37): AAVGSGMGTG[Gln27Arg]RAGSPAAGPP

ClinVar aggregate classification (germline): Conflicting classifications of pathogenicity. Review status: criteria provided, conflicting classifications (1 of 4 stars). 2 submissions from 2 submitters: Uncertain significance (1); Likely benign (1). Last evaluated 2025-06-09.

Conditions:
Neuroblastoma, susceptibility to, 3. Also called: ALK-Related Neuroblastic Tumor Susceptibility. Identifiers: Orphanet 635, MedGen C2751681, MONDO:0013083, OMIM 613014.
Hereditary cancer-predisposing syndrome. Also called: Neoplastic Syndromes, Hereditary; Hereditary neoplastic syndrome; Tumor predisposition; Hereditary Cancer Syndrome. Identifiers: Orphanet 140162, MedGen C0027672, MeSH D009386, MONDO:0015356.

Allele frequency attached by ClinVar (database versions not stated): gnomAD exomes 0.00001 and 0.00002; ExAC 0.00007.
gnomAD v4.1: 8 of 1,581,258 alleles (0.00051%); highest among the groups gnomAD compares: Non-Finnish European, 0.00051%; no homozygotes.

Submissions (2):

Ambry Genetics
Classification: Likely benign for Hereditary cancer-predisposing syndrome. Last evaluated: 2025-06-09. Review status: criteria provided, single submitter. Criteria: Ambry Variant Classification Scheme 2023. Collection method: clinical testing. Allele origin: germline.

Labcorp Genetics (formerly Invitae), Labcorp
Classification: Uncertain significance for Neuroblastoma, susceptibility to, 3. Last evaluated: 2025-02-03. Review status: criteria provided, single submitter. Criteria: Invitae Variant Classification Sherloc (09022015). Collection method: clinical testing. Allele origin: germline.
Comment: This sequence change replaces glutamine, which is neutral and polar, with arginine, which is basic and polar, at codon 27 of the ALK protein (p.Gln27Arg). This variant is present in population databases (rs752501243, gnomAD 0.004%). This variant has not been reported in the literature in individuals affected with ALK-related conditions. ClinVar contains an entry for this variant (Variation ID: 834471). An algorithm developed to predict the effect of missense changes on protein structure and function (PolyPhen-2) suggests that this variant is likely to be tolerated. In summary, the available evidence is currently insufficient to determine the role of this variant in disease. Therefore, it has been classified as a Variant of Uncertain Significance.